The following is an entry in ClinVar:

NM_001370259.2(MEN1):c.1508G>T (p.Gly503Val)

Gene: MEN1 (menin 1; minus strand). Cytogenetic location: 11q13.1.
Variant type: single nucleotide variant.
Coding change: c.1508G>T on transcript NM_001370259.2 (MANE Select); coding-DNA position 1508, G replaced by T.
Protein change: p.Gly503Val; replaces glycine 503 with valine.
Molecular consequence: missense variant. On other transcripts: non-coding transcript variant (4).
Genome position (GRCh38, 1-based): chr11:64,804,659, C>A on the plus strand (G>T on the coding strand, the complement: MEN1 is on the minus strand). VCF-style: chr11-64804659-C-A. GRCh37 (hg19) VCF-style: chr11-64572131-C-A.
Other names: c.1523G>T, p.Gly508Val (NM_000244.4, NM_001407145.1, NM_130800.3 and 4 more transcripts); c.1634G>T, p.Gly545Val (NM_001370251.2, NM_001407142.1, NM_001407143.1 and 1 more transcripts); c.1508G>T, p.Gly503Val (NM_001370260.2, NM_001370261.2, NM_001407146.1 and 2 more transcripts); c.1403G>T, p.Gly468Val (NM_001370262.2, NM_001370263.2, NM_001407148.1 and 1 more transcripts); c.1649G>T, p.Gly550Val (NM_001407150.1); c.1529G>T, p.Gly510Val (NM_001407151.1); c.1343G>T, p.Gly448Val (NM_001407152.1); short protein forms G550V, G468V, G503V, G508V, G510V, G545V, G448V.
Identifiers: ClinVar variation 3701356 (VCV003701356.2).

ClinVar aggregate classification (germline): Uncertain significance (1 of 4 stars; one submission).

Conditions:
Multiple endocrine neoplasia, type 1 (MEN1). Also called: MEN I; WERMER SYNDROME; Endocrine adenomatosis multiple; MEN 1; MEA I. Identifiers: Orphanet 652, MedGen C0025267, MeSH D018761, MONDO:0007540, OMIM 131100.

Submission:

Labcorp Genetics (formerly Invitae), Labcorp
Classification: Uncertain significance for Multiple endocrine neoplasia, type 1. Last evaluated: 2024-07-19. Review status: criteria provided, single submitter. Criteria: Invitae Variant Classification Sherloc (09022015). Collection method: clinical testing. Allele origin: germline.
Comment: This sequence change replaces glycine, which is neutral and non-polar, with valine, which is neutral and non-polar, at codon 503 of the MEN1 protein (p.Gly503Val). This variant is not present in population databases (gnomAD no frequency). This variant has not been reported in the literature in individuals affected with MEN1-related conditions. Advanced modeling of protein sequence and biophysical properties (such as structural, functional, and spatial information, amino acid conservation, physicochemical variation, residue mobility, and thermodynamic stability) performed at Invitae indicates that this missense variant is not expected to disrupt MEN1 protein function with a negative predictive value of 95%. In summary, the available evidence is currently insufficient to determine the role of this variant in disease. Therefore, it has been classified as a Variant of Uncertain Significance.